The following is an entry in ClinVar:

NC_000001.10:g.(?_53420392)_(53420496_?)del

Gene: SCP2 (sterol carrier protein 2; plus strand). Cytogenetic location: 1p32.3.
Variant type: Deletion.
Identifiers: ClinVar variation 3247943 (VCV003247943.1).

ClinVar aggregate classification (germline): Pathogenic (1 of 4 stars; one submission).

Submission:

Labcorp Genetics (formerly Invitae), Labcorp
Classification: Pathogenic. Last evaluated: 2023-04-14. Review status: criteria provided, single submitter. Criteria: Invitae Variant Classification Sherloc (09022015). Collection method: clinical testing. Allele origin: unknown.
Comment: For these reasons, this variant has been classified as Pathogenic. This variant has not been reported in the literature in individuals affected with SCP2-related conditions. This variant is a gross deletion of the genomic region encompassing exon(s) 5 of the SCP2 gene. This deletion is out-of-frame, and is expected to create a premature termination codon and result in an absent or disrupted protein product. Loss-of-function variants in SCP2 are known to be pathogenic (PMID: 16685654, 26497993).

Literature cited by the submitters: PubMed 16685654; PubMed 26497993.